The following is an entry in ClinVar:

ClinVar aggregate classification (germline): Pathogenic (1 of 4 stars; one submission).

Conditions:
Adams-Oliver syndrome 5 (AOS5). Identifiers: Orphanet 974, MedGen C4014970, MONDO:0014459, OMIM 616028.

Submission:

Labcorp Genetics (formerly Invitae), Labcorp
Classification: Pathogenic for Adams-Oliver syndrome 5. Last evaluated: 2024-08-10. Review status: criteria provided, single submitter. Criteria: Invitae Variant Classification Sherloc (09022015). Collection method: clinical testing. Allele origin: germline.
Comment: This sequence change creates a premature translational stop signal (p.Trp1638*) in the NOTCH1 gene. It is expected to result in an absent or disrupted protein product. Loss-of-function variants in NOTCH1 are known to be pathogenic (PMID: 16025100, 21457232, 25132448, 25963545, 32720365, 33630301). This variant is not present in population databases (gnomAD no frequency). This premature translational stop signal has been observed in individual(s) with tetralogy of Fallot (PMID: 30582441). For these reasons, this variant has been classified as Pathogenic.

Literature cited by the submitters: PubMed 16025100; PubMed 21457232; PubMed 25132448; PubMed 25963545; PubMed 32720365; PubMed 33630301; PubMed 30582441.

NM_017617.5(NOTCH1):c.4913G>A (p.Trp1638Ter)

Gene: NOTCH1 (notch receptor 1; minus strand). Cytogenetic location: 9q34.3.
Variant type: single nucleotide variant.
Coding change: c.4913G>A on transcript NM_017617.5 (MANE Select); coding-DNA position 4913, G replaced by A.
Protein change: p.Trp1638Ter; replaces tryptophan 1638 with a stop codon.
Molecular consequence: nonsense.
Genome position (GRCh38, 1-based): chr9:136,504,778, C>T on the plus strand (G>A on the coding strand, the complement: NOTCH1 is on the minus strand). VCF-style: chr9-136504778-C-T. GRCh37 (hg19) VCF-style: chr9-139399230-C-T.
Other names: short protein forms W1638*.
Identifiers: ClinVar variation 3709099 (VCV003709099.2).